The following is an entry in ClinVar:

ClinVar aggregate classification (germline): Uncertain significance (1 of 4 stars; one submission).

gnomAD v4.1: 1 of 1,597,982 alleles (0.000063%); highest among the groups gnomAD compares: African/African-American, 0.0013%; no homozygotes.

Submission:

GeneDx
Classification: Uncertain significance. Last evaluated: 2025-03-20. Review status: criteria provided, single submitter. Criteria: GeneDx Variant Classification Process June 2021. Collection method: clinical testing. Allele origin: germline. Affected: yes.
Comment: Not observed at significant frequency in large population cohorts (gnomAD); In silico analysis supports that this missense variant has a deleterious effect on protein structure/function; Has not been previously published as pathogenic or benign to our knowledge

NM_002430.3(MN1):c.1317C>G (p.Asn439Lys)

Gene: MN1 (MN1 proto-oncogene, transcriptional regulator; minus strand). Cytogenetic location: 22q12.1.
Variant type: single nucleotide variant.
Coding change: c.1317C>G on transcript NM_002430.3 (MANE Select); coding-DNA position 1317, C replaced by G.
Protein change: p.Asn439Lys; replaces asparagine 439 with lysine.
Molecular consequence: missense variant.
Genome position (GRCh38, 1-based): chr22:27,799,227, G>C on the plus strand (C>G on the coding strand, the complement: MN1 is on the minus strand). VCF-style: chr22-27799227-G-C. GRCh37 (hg19) VCF-style: chr22-28195215-G-C.
Other names: short protein forms N439K.
Identifiers: ClinVar variation 4086683 (VCV004086683.1).